The following is an entry in ClinVar:

ClinVar aggregate classification (germline): Uncertain significance. Review status: criteria provided, multiple submitters, no conflicts (2 of 4 stars). 2 submissions from 2 submitters: Uncertain significance (2). Last evaluated 2025-12-03.

Conditions:
Deafness-lymphedema-leukemia syndrome. Also called: Lymphedema, primary, with myelodysplasia; Emberger syndrome. Identifiers: Orphanet 3226, MedGen C3279664, MONDO:0013540, OMIM 614038.
Monocytopenia with susceptibility to infections. Also called: MONOCYTOPENIA AND MYCOBACTERIAL INFECTION SYNDROME; MONOCYTOPENIA WITH SUSCEPTIBILITY TO MYCOBACTERIAL, FUNGAL, AND PAPILLOMAVIRUS INFECTIONS AND MYELODYSPLASIA; COMBINED IMMUNODEFICIENCY WITH SUSCEPTIBILITY TO MYCOBACTERIAL, VIRAL, AND FUNGAL INFECTIONS; Dendritic cell, monocyte, B lymphocyte, and natural killer lymphocyte deficiency; IMMUNODEFICIENCY 21; GATA2 DEFICIENCY. Identifiers: Orphanet 228423, MedGen C3280030, MONDO:0013607, OMIM 614172.
Inborn genetic diseases. Identifiers: MedGen C0950123, MeSH D030342.

Allele frequency attached by ClinVar (database versions not stated): gnomAD exomes below 0.00001.
gnomAD v4.1: 1 of 1,614,182 alleles (0.000062%); highest among the groups gnomAD compares: Admixed American, 0.0017%; no homozygotes.

Submissions (2):

Ambry Genetics
Classification: Uncertain significance for Inborn genetic diseases. Last evaluated: 2025-12-03. Review status: criteria provided, single submitter. Criteria: Ambry Variant Classification Scheme 2023. Collection method: clinical testing. Allele origin: germline.
Comment: The p.F428I variant (also known as c.1282T>A), located in coding exon 5 of the GATA2 gene, results from a T to A substitution at nucleotide position 1282. The phenylalanine at codon 428 is replaced by isoleucine, an amino acid with highly similar properties. This amino acid position is highly conserved in available vertebrate species. In addition, this alteration is predicted to be deleterious by in silico analysis. Based on the available evidence, the clinical significance of this variant remains unclear.

Labcorp Genetics (formerly Invitae), Labcorp
Classification: Uncertain significance for Monocytopenia with susceptibility to infections; Deafness-lymphedema-leukemia syndrome. Last evaluated: 2017-04-21. Review status: criteria provided, single submitter. Criteria: Invitae Variant Classification Sherloc (09022015). Collection method: clinical testing. Allele origin: germline.
Comment: In summary, this variant is a novel missense change with uncertain impact on protein function. It has been classified as a Variant of Uncertain Significance. Algorithms developed to predict the effect of missense changes on protein structure and function do not agree on the potential impact of this missense change (SIFT: "Tolerated"; PolyPhen-2: "Probably Damaging"; Align-GVGD: "Class C0"). This variant is not present in population databases (ExAC no frequency) and has not been reported in the literature in individuals with a GATA2-related disease. This sequence change replaces phenylalanine with isoleucine at codon 428 of the GATA2 protein (p.Phe428Ile). The phenylalanine residue is moderately conserved and there is a small physicochemical difference between phenylalanine and isoleucine.

NM_032638.5(GATA2):c.1282T>A (p.Phe428Ile)

Gene: GATA2 (GATA binding protein 2; minus strand). Cytogenetic location: 3q21.3.
Variant type: single nucleotide variant.
Coding change: c.1282T>A on transcript NM_032638.5 (MANE Select); coding-DNA position 1282, T replaced by A.
Protein change: p.Phe428Ile; replaces phenylalanine 428 with isoleucine.
Molecular consequence: missense variant.
Genome position (GRCh38, 1-based): chr3:128,481,180, A>T on the plus strand (T>A on the coding strand, the complement: GATA2 is on the minus strand). VCF-style: chr3-128481180-A-T. GRCh37 (hg19) VCF-style: chr3-128200023-A-T.
Other names: c.1282T>A, p.Phe428Ile (NM_001145661.2); c.1240T>A, p.Phe414Ile (NM_001145662.1); short protein forms F428I, F414I.
Identifiers: ClinVar variation 404074 (VCV000404074.9), dbSNP rs909675639, ClinGen allele CA16611345.